The following is an entry in ClinVar:

NM_015909.4(NBAS):c.4112T>G (p.Phe1371Cys)

Gene: NBAS (NBAS subunit of NRZ tethering complex; minus strand). Cytogenetic location: 2p24.3.
Variant type: single nucleotide variant.
Coding change: c.4112T>G on transcript NM_015909.4 (MANE Select); coding-DNA position 4112, T replaced by G.
Protein change: p.Phe1371Cys; replaces phenylalanine 1371 with cysteine.
Molecular consequence: missense variant. On other transcripts: non-coding transcript variant (1).
Genome position (GRCh38, 1-based): chr2:15,352,059, A>C on the plus strand (T>G on the coding strand, the complement: NBAS is on the minus strand). VCF-style: chr2-15352059-A-C. GRCh37 (hg19) VCF-style: chr2-15492183-A-C.
Other names: short protein forms F1371C.
Identifiers: ClinVar variation 1495349 (VCV001495349.8), dbSNP rs2148298892, ClinGen allele CA345887982.

ClinVar aggregate classification (germline): Uncertain significance (1 of 4 stars; one submission).

Submission:

Labcorp Genetics (formerly Invitae), Labcorp
Classification: Uncertain significance. Last evaluated: 2021-05-19. Review status: criteria provided, single submitter. Criteria: Invitae Variant Classification Sherloc (09022015). Collection method: clinical testing. Allele origin: germline.
Comment: In summary, the available evidence is currently insufficient to determine the role of this variant in disease. Therefore, it has been classified as a Variant of Uncertain Significance. Algorithms developed to predict the effect of missense changes on protein structure and function (SIFT, PolyPhen-2, Align-GVGD) all suggest that this variant is likely to be disruptive, but these predictions have not been confirmed by published functional studies and their clinical significance is uncertain. This variant has not been reported in the literature in individuals with NBAS-related conditions. This variant is not present in population databases (ExAC no frequency). This sequence change replaces phenylalanine with cysteine at codon 1371 of the NBAS protein (p.Phe1371Cys). The phenylalanine residue is highly conserved and there is a large physicochemical difference between phenylalanine and cysteine.